The following is an entry in ClinVar:

NM_001363711.2(DUOX2):c.307G>T (p.Val103Leu)

Gene: DUOX2 (dual oxidase 2; minus strand). Cytogenetic location: 15q21.1.
Variant type: single nucleotide variant.
Coding change: c.307G>T on transcript NM_001363711.2 (MANE Select); coding-DNA position 307, G replaced by T.
Protein change: p.Val103Leu; replaces valine 103 with leucine.
Molecular consequence: missense variant.
Genome position (GRCh38, 1-based): chr15:45,112,572, C>A on the plus strand (G>T on the coding strand, the complement: DUOX2 is on the minus strand). VCF-style: chr15-45112572-C-A. GRCh37 (hg19) VCF-style: chr15-45404770-C-A.
Other names: c.307G>T, p.Val103Leu (NM_014080.5); c.307G>T (NM_014080.4); short protein forms V103L.
Identifiers: ClinVar variation 2057344 (VCV002057344.5), dbSNP rs148211186, ClinGen allele CA7539034.

ClinVar aggregate classification (germline): Uncertain significance. Review status: criteria provided, multiple submitters, no conflicts (2 of 4 stars). 2 submissions from 2 submitters: Uncertain significance (2). Last evaluated 2026-01-18.

Conditions:
Inborn genetic diseases. Identifiers: MedGen C0950123, MeSH D030342.

Allele frequency attached by ClinVar (database versions not stated): ESP Exome Variant Server 0.00008.
gnomAD v4.1: 32 of 1,612,998 alleles (0.002%); highest among the groups gnomAD compares: African/African-American, 0.043%; no homozygotes.

Submissions (2):

Labcorp Genetics (formerly Invitae), Labcorp
Classification: Uncertain significance. Last evaluated: 2026-01-18. Review status: criteria provided, single submitter. Criteria: Invitae Variant Classification Sherloc (09022015). Collection method: clinical testing. Allele origin: germline.
Comment: This sequence change replaces valine, which is neutral and non-polar, with leucine, which is neutral and non-polar, at codon 103 of the DUOX2 protein (p.Val103Leu). This variant is present in population databases (rs148211186, gnomAD 0.03%). This variant has not been reported in the literature in individuals affected with DUOX2-related conditions. ClinVar contains an entry for this variant (Variation ID: 2057344). Invitae Evidence Modeling of protein sequence and biophysical properties (such as structural, functional, and spatial information, amino acid conservation, physicochemical variation, residue mobility, and thermodynamic stability) indicates that this missense variant is expected to disrupt DUOX2 protein function with a positive predictive value of 80%. In summary, the available evidence is currently insufficient to determine the role of this variant in disease. Therefore, it has been classified as a Variant of Uncertain Significance.

Ambry Genetics
Classification: Uncertain significance for Inborn genetic diseases. Last evaluated: 2024-11-13. Review status: criteria provided, single submitter. Criteria: Ambry Variant Classification Scheme 2023. Collection method: clinical testing. Allele origin: germline.